The following is an entry in ClinVar:

ClinVar aggregate classification (germline): Likely pathogenic. Review status: criteria provided, single submitter (1 of 4 stars). 2 submissions from 2 submitters: Likely pathogenic (1). 1 of the submissions does not count toward it. Last evaluated 2025-01-14.

Conditions:
PNPT1-related disorder. Also called: PNPT1-related disorders; PNPT1-related condition.

Submissions (2):

Revvity Omics, Revvity
Classification: Likely pathogenic. Last evaluated: 2025-01-14. Review status: criteria provided, single submitter. Criteria: ACMG Guidelines, 2015. Collection method: clinical testing. Allele origin: germline.

PreventionGenetics, part of Exact Sciences
Classification: Uncertain significance for PNPT1-related condition. Last evaluated: 2024-02-05. Review status: no assertion criteria provided. Collection method: clinical testing. Allele origin: germline. Not counted in ClinVar's aggregate classification.
Comment: The PNPT1 c.46delC variant is predicted to result in premature protein termination (p.Leu16*). To our knowledge, this variant has not been reported in the literature. This variant is reported in 0.0054% of alleles in individuals of East Asian descent in gnomAD. Only a few downstream truncating variants were reported in Human Gene Mutations Database. Although we suspect that this variant may be pathogenic, at this time, the clinical significance of this variant is uncertain due to the absence of conclusive functional and genetic evidence.

NM_033109.5(PNPT1):c.46del (p.Pro15_Leu16insTer)

Genes: PNPT1 (polyribonucleotide nucleotidyltransferase 1; minus strand), LOC129933770 (ATAC-STARR-seq lymphoblastoid active region 15785; plus strand). Cytogenetic location: 2p16.1.
Variant type: Deletion.
Coding change: c.46del on transcript NM_033109.5 (MANE Select); coding-DNA position 46, one base deleted (C; older notation c.46delC).
Protein change: p.Pro15_Leu16insTer.
Molecular consequence: nonsense.
Genome position (GRCh38, 1-based): chr2:55,693,778, G deleted on the plus strand (C on the coding strand, the reverse complement: PNPT1 is on the minus strand); the first of 4 consecutive G bases (chr2:55,693,778-55,693,781); deleting any one gives the same sequence. VCF-style (leftmost placement, unchanged base first): chr2-55693777-AG-A. GRCh37 (hg19) VCF-style: chr2-55920912-AG-A.
Identifiers: ClinVar variation 3061186 (VCV003061186.3), dbSNP rs1448753696, ClinGen allele CA532800991.